The following is an entry in ClinVar:

NM_004364.5(CEBPA):c.271G>C (p.Ala91Pro)

Gene: CEBPA (CCAAT enhancer binding protein alpha; minus strand). Cytogenetic location: 19q13.11.
Variant type: single nucleotide variant.
Coding change: c.271G>C on transcript NM_004364.5 (MANE Select); coding-DNA position 271, G replaced by C.
Protein change: p.Ala91Pro; replaces alanine 91 with proline.
Molecular consequence: missense variant. On other transcripts: 5 prime UTR variant (1).
Genome position (GRCh38, 1-based): chr19:33,302,144, C>G on the plus strand (G>C on the coding strand, the complement: CEBPA is on the minus strand). VCF-style: chr19-33302144-C-G. GRCh37 (hg19) VCF-style: chr19-33793050-C-G.
Other names: c.-87G>C (NM_001285829.2); c.376G>C, p.Ala126Pro (NM_001287424.2); c.229G>C, p.Ala77Pro (NM_001287435.2); short protein forms A126P, A77P, A91P.
Identifiers: ClinVar variation 2111682 (VCV002111682.4), dbSNP rs2145263387, ClinGen allele CA405275299.

ClinVar aggregate classification (germline): Uncertain significance (1 of 4 stars; one submission).

Conditions:
Acute myeloid leukemia (AML). Also called: Acute myeloid leukemia, adult; AML adult; Acute non-lymphocytic leukemia; Acute granulocytic leukemia; Leukemia, acute myeloid, somatic; Leukemia, acute myelogenous, somatic. Identifiers: Orphanet 519, MedGen C0023467, MeSH D015470, MONDO:0018874, OMIM 601626, HP:0004808. Disease mechanism: Constitutively activated FLT3.

Submission:

Labcorp Genetics (formerly Invitae), Labcorp
Classification: Uncertain significance for Acute myeloid leukemia. Last evaluated: 2025-12-14. Review status: criteria provided, single submitter. Criteria: Invitae Variant Classification Sherloc (09022015). Collection method: clinical testing. Allele origin: germline.
Comment: This sequence change replaces alanine, which is neutral and non-polar, with proline, which is neutral and non-polar, at codon 91 of the CEBPA protein (p.Ala91Pro). This variant is not present in population databases (gnomAD no frequency). This variant has not been reported in the literature in individuals affected with CEBPA-related conditions. ClinVar contains an entry for this variant (Variation ID: 2111682). Invitae Evidence Modeling of protein sequence and biophysical properties (such as structural, functional, and spatial information, amino acid conservation, physicochemical variation, residue mobility, and thermodynamic stability) indicates that this missense variant is not expected to disrupt CEBPA protein function with a negative predictive value of 80%. In summary, the available evidence is currently insufficient to determine the role of this variant in disease. Therefore, it has been classified as a Variant of Uncertain Significance.